The following is an entry in ClinVar:

ClinVar aggregate classification (germline): Benign. Review status: criteria provided, multiple submitters, no conflicts (2 of 4 stars). 3 submissions from 3 submitters: Benign (2). 1 of the submissions does not count toward it. Last evaluated 2026-02-04.

Allele frequency attached by ClinVar (database versions not stated): gnomAD 0.12784 and 0.12180; ESP Exome Variant Server 0.11733; 1000 Genomes Project 30x 0.19878; ExAC 0.14005; TOPMed 0.12932; 1000 Genomes Project 0.20308.

Submissions (3):

Labcorp Genetics (formerly Invitae), Labcorp
Classification: Benign. Last evaluated: 2026-02-04. Review status: criteria provided, single submitter. Criteria: Invitae Variant Classification Sherloc (09022015). Collection method: clinical testing. Allele origin: germline.

GeneDx
Classification: Benign. Last evaluated: 2013-09-05. Review status: criteria provided, single submitter. Criteria: GeneDx Variant Classification (06012015). Collection method: clinical testing. Allele origin: germline. Affected: yes.
Comment: This variant is considered likely benign or benign based on one or more of the following criteria: it is a conservative change, it occurs at a poorly conserved position in the protein, it is predicted to be benign by multiple in silico algorithms, and/or has population frequency not consistent with disease.

Mayo Clinic Laboratories, Mayo Clinic
Classification: Benign. Last evaluated: 2016-02-19. Review status: no assertion criteria provided. Collection method: clinical testing. Allele origin: unknown. Not counted in ClinVar's aggregate classification.

NM_017909.4(RMND1):c.395C>T (p.Thr132Met)

Gene: RMND1 (required for meiotic nuclear division 1 homolog; minus strand). Cytogenetic location: 6q25.1.
Variant type: single nucleotide variant.
Coding change: c.395C>T on transcript NM_017909.4 (MANE Select); coding-DNA position 395, C replaced by T.
Protein change: p.Thr132Met; replaces threonine 132 with methionine.
Molecular consequence: missense variant. On other transcripts: intron variant (1).
Genome position (GRCh38, 1-based): chr6:151,445,417, G>A on the plus strand (C>T on the coding strand, the complement: RMND1 is on the minus strand). VCF-style: chr6-151445417-G-A. GRCh37 (hg19) VCF-style: chr6-151766552-G-A.
Other names: p.T132M:ACG>ATG; c.-7+6599C>T (NM_001271937.2); short protein forms T132M.
Identifiers: ClinVar variation 138918 (VCV000138918.13), dbSNP rs3734800, ClinGen allele CA293090.